The following is an entry in ClinVar:

ClinVar aggregate classification (germline): Uncertain significance. Review status: criteria provided, multiple submitters, no conflicts (2 of 4 stars). 2 submissions from 2 submitters: Uncertain significance (2). Last evaluated 2025-08-30.

Conditions:
Hereditary cancer-predisposing syndrome. Also called: Tumor predisposition; Hereditary Cancer Syndrome; Hereditary neoplastic syndrome; Neoplastic Syndromes, Hereditary. Identifiers: Orphanet 140162, MedGen C0027672, MeSH D009386, MONDO:0015356.
Familial adenomatous polyposis 1 (FAP1). Also called: FAMILIAL ADENOMATOUS POLYPOSIS 1, ATTENUATED; POLYPOSIS, ADENOMATOUS INTESTINAL. Identifiers: MedGen C2713442, MONDO:0021056, OMIM 175100. Disease mechanism: loss of function.

Allele frequency attached by ClinVar (database versions not stated): TOPMed below 0.00001.

Submissions (2):

Ambry Genetics
Classification: Uncertain significance for Hereditary cancer-predisposing syndrome. Last evaluated: 2025-08-30. Review status: criteria provided, single submitter. Criteria: Ambry Variant Classification Scheme 2023. Collection method: clinical testing. Allele origin: germline.
Comment: The p.N1919Y variant (also known as c.5755A>T), located in coding exon 15 of the APC gene, results from an A to T substitution at nucleotide position 5755. The asparagine at codon 1919 is replaced by tyrosine, an amino acid with dissimilar properties. This amino acid position is not well conserved in available vertebrate species. In addition, in silico predictors for this gene do not accurately predict pathogenicity. Since supporting evidence is limited at this time, the clinical significance of this alteration remains unclear.

Labcorp Genetics (formerly Invitae), Labcorp
Classification: Uncertain significance for Familial adenomatous polyposis 1. Last evaluated: 2025-07-31. Review status: criteria provided, single submitter. Criteria: Invitae Variant Classification Sherloc (09022015). Collection method: clinical testing. Allele origin: germline.
Comment: This sequence change replaces asparagine, which is neutral and polar, with tyrosine, which is neutral and polar, at codon 1919 of the APC protein (p.Asn1919Tyr). This variant is not present in population databases (gnomAD no frequency). This variant has not been reported in the literature in individuals affected with APC-related conditions. ClinVar contains an entry for this variant (Variation ID: 537571). Invitae Evidence Modeling of protein sequence and biophysical properties (such as structural, functional, and spatial information, amino acid conservation, physicochemical variation, residue mobility, and thermodynamic stability) indicates that this missense variant is not expected to disrupt APC protein function with a negative predictive value of 95%. In summary, the available evidence is currently insufficient to determine the role of this variant in disease. Therefore, it has been classified as a Variant of Uncertain Significance.

NM_000038.6(APC):c.5755A>T (p.Asn1919Tyr)

Gene: APC (APC regulator of Wnt signaling pathway; plus strand). Cytogenetic location: 5q22.2.
Variant type: single nucleotide variant.
Coding change: c.5755A>T on transcript NM_000038.6 (MANE Select); coding-DNA position 5755, A replaced by T.
Protein change: p.Asn1919Tyr; replaces asparagine 1919 with tyrosine.
Molecular consequence: missense variant.
Genome position (GRCh38, 1-based): chr5:112,841,349, A>T. VCF-style: chr5-112841349-A-T. GRCh37 (hg19) VCF-style: chr5-112177046-A-T.
Other names: c.5755A>T, p.Asn1919Tyr (NM_001127510.3, NM_001354895.2); c.5701A>T, p.Asn1901Tyr (NM_001127511.3); c.5809A>T, p.Asn1937Tyr (NM_001354896.2); c.5785A>T, p.Asn1929Tyr (NM_001354897.2); c.5680A>T, p.Asn1894Tyr (NM_001354898.2); c.5671A>T, p.Asn1891Tyr (NM_001354899.2); c.5632A>T, p.Asn1878Tyr (NM_001354900.2); c.5578A>T, p.Asn1860Tyr (NM_001354901.2); and 5 more; short protein forms N1901Y, N1919Y, N1818Y, N1860Y, N1759Y, N1878Y, N1929Y, N1636Y.
Identifiers: ClinVar variation 537571 (VCV000537571.17), dbSNP rs1554086959, ClinGen allele CA16033929.